The following is an entry in ClinVar:

NM_020366.4(RPGRIP1):c.356C>T (p.Pro119Leu)

Gene: RPGRIP1 (RPGR interacting protein 1; plus strand). Cytogenetic location: 14q11.2.
Variant type: single nucleotide variant.
Coding change: c.356C>T on transcript NM_020366.4 (MANE Select); coding-DNA position 356, C replaced by T.
Protein change: p.Pro119Leu; replaces proline 119 with leucine.
Molecular consequence: missense variant.
Genome position (GRCh38, 1-based): chr14:21,301,103, C>T. VCF-style: chr14-21301103-C-T. GRCh37 (hg19) VCF-style: chr14-21769262-C-T.
Other names: short protein forms P119L.
Identifiers: ClinVar variation 1480293 (VCV001480293.3), dbSNP rs770129842, ClinGen allele CA7088641.
Genomic context (GRCh38, chr14:21,301,103, plus strand): 5'-AGACCGCAAGGCGCGGGCAGAAGGCGGGATGGCGGCAGCGCCTCTCCATGCACCAGCGCC[C>T]CCAGATGCACCGACTGCAAGGGCATTTCCACTGCGTCGGCCCTGCCAGCCCCCGCCGCGC-3'
Protein context (NP_065099.3, residues 109-129): WRQRLSMHQR[Pro119Leu]QMHRLQGHFH

ClinVar aggregate classification (germline): Uncertain significance (1 of 4 stars; one submission).

Conditions:
Leber congenital amaurosis 6 (LCA6). Identifiers: Orphanet 65, MedGen C1854260, MONDO:0013446, OMIM 613826.
Cone-rod dystrophy 13 (CORD13). Identifiers: Orphanet 1872, MedGen C2750720, MONDO:0011987, OMIM 608194.

Allele frequency attached by ClinVar (database versions not stated): ExAC 0.00001; gnomAD exomes 0.00001.
gnomAD v4.1: 4 of 1,611,068 alleles (0.00025%); highest among the groups gnomAD compares: Admixed American, 0.0034%; no homozygotes.

Submission:

Labcorp Genetics (formerly Invitae), Labcorp
Classification: Uncertain significance for Leber congenital amaurosis 6; Cone-rod dystrophy 13. Last evaluated: 2022-11-03. Review status: criteria provided, single submitter. Criteria: Invitae Variant Classification Sherloc (09022015). Collection method: clinical testing. Allele origin: germline.
Comment: This sequence change replaces proline, which is neutral and non-polar, with leucine, which is neutral and non-polar, at codon 119 of the RPGRIP1 protein (p.Pro119Leu). This variant is present in population databases (rs770129842, gnomAD 0.006%). This variant has not been reported in the literature in individuals affected with RPGRIP1-related conditions. ClinVar contains an entry for this variant (Variation ID: 1480293). Advanced modeling of protein sequence and biophysical properties (such as structural, functional, and spatial information, amino acid conservation, physicochemical variation, residue mobility, and thermodynamic stability) performed at Invitae indicates that this missense variant is not expected to disrupt RPGRIP1 protein function. In summary, the available evidence is currently insufficient to determine the role of this variant in disease. Therefore, it has been classified as a Variant of Uncertain Significance.